The following is an entry in ClinVar:

ClinVar aggregate classification (germline): Pathogenic (1 of 4 stars; one submission).

Conditions:
Ehlers-Danlos syndrome, kyphoscoliotic type, 2. Also called: FKBP14-Kyphoscoliotic Ehlers-Danlos Syndrome; Ehlers-Danlos syndrome with progressive kyphoscoliosis, myopathy, and hearing loss; Ehlers-Danlos syndrome, kyphoscoliotic and deafness type. Identifiers: Orphanet 300179, MedGen C3281160, MONDO:0013800, OMIM 614557.

Allele frequency attached by ClinVar (database versions not stated): TOPMed below 0.00001.

Submission:

Labcorp Genetics (formerly Invitae), Labcorp
Classification: Pathogenic for Ehlers-Danlos syndrome, kyphoscoliotic type, 2. Last evaluated: 2023-06-24. Review status: criteria provided, single submitter. Criteria: Invitae Variant Classification Sherloc (09022015). Collection method: clinical testing. Allele origin: germline.
Comment: For these reasons, this variant has been classified as Pathogenic. This variant has not been reported in the literature in individuals affected with FKBP14-related conditions. This variant is not present in population databases (gnomAD no frequency). This sequence change creates a premature translational stop signal (p.Trp88*) in the FKBP14 gene. It is expected to result in an absent or disrupted protein product. Loss-of-function variants in FKBP14 are known to be pathogenic (PMID: 22265013).

Literature cited by the submitters: PubMed 22265013.

NM_017946.4(FKBP14):c.264G>A (p.Trp88Ter)

Genes: FKBP14 (FKBP prolyl isomerase 14; minus strand), FKBP14-AS1 (FKBP14 antisense RNA 1; plus strand). Cytogenetic location: 7p14.3.
Variant type: single nucleotide variant.
Coding change: c.264G>A on transcript NM_017946.4 (MANE Select); coding-DNA position 264, G replaced by A.
Protein change: p.Trp88Ter; replaces tryptophan 88 with a stop codon.
Molecular consequence: nonsense. On other transcripts: non-coding transcript variant (1).
Genome position (GRCh38, 1-based): chr7:30,022,750, C>T on the plus strand (G>A on the coding strand, the complement: FKBP14 is on the minus strand). VCF-style: chr7-30022750-C-T. GRCh37 (hg19) VCF-style: chr7-30062366-C-T.
Other names: short protein forms W88*.
Identifiers: ClinVar variation 2739931 (VCV002739931.3), dbSNP rs1790069483, ClinGen allele CA367117449.